The following is an entry in ClinVar:

ClinVar aggregate classification (germline): Uncertain significance (1 of 4 stars; one submission).

Allele frequency attached by ClinVar (database versions not stated): TOPMed below 0.00001; gnomAD 0.00001.
gnomAD v4.1: 1 of 1,611,746 alleles (0.000062%); highest among the groups gnomAD compares: African/African-American, 0.0013%; no homozygotes.

Submission:

GeneDx
Classification: Uncertain significance. Last evaluated: 2022-02-22. Review status: criteria provided, single submitter. Criteria: GeneDx Variant Classification Process June 2021. Collection method: clinical testing. Allele origin: germline. Affected: yes.
Comment: Not observed at significant frequency in large population cohorts (gnomAD); In silico analysis supports that this missense variant does not alter protein structure/function; Has not been previously published as pathogenic or benign to our knowledge

NM_014254.3(RXYLT1):c.1238T>C (p.Met413Thr)

Genes: RXYLT1 (ribitol xylosyltransferase 1; plus strand), RXYLT1-AS1 (RXYLT1 antisense RNA 1; minus strand). Cytogenetic location: 12q14.2.
Variant type: single nucleotide variant.
Coding change: c.1238T>C on transcript NM_014254.3 (MANE Select); coding-DNA position 1238, T replaced by C.
Protein change: p.Met413Thr; replaces methionine 413 with threonine.
Molecular consequence: missense variant.
Genome position (GRCh38, 1-based): chr12:63,808,998, T>C. VCF-style: chr12-63808998-T-C. GRCh37 (hg19) VCF-style: chr12-64202778-T-C.
Other names: c.458T>C, p.Met153Thr (NM_001278237.2); short protein forms M153T, M413T.
Identifiers: ClinVar variation 1702615 (VCV001702615.2), dbSNP rs1265747661, ClinGen allele CA385660487.